The following is an entry in ClinVar:

NM_182961.4(SYNE1):c.19606T>C (p.Phe6536Leu)

Gene: SYNE1 (spectrin repeat containing nuclear envelope protein 1; minus strand). Cytogenetic location: 6q25.2.
Variant type: single nucleotide variant.
Coding change: c.19606T>C on transcript NM_182961.4 (MANE Select); coding-DNA position 19606, T replaced by C.
Protein change: p.Phe6536Leu; replaces phenylalanine 6536 with leucine.
Molecular consequence: missense variant.
Genome position (GRCh38, 1-based): chr6:152,244,623, A>G on the plus strand (T>C on the coding strand, the complement: SYNE1 is on the minus strand). VCF-style: chr6-152244623-A-G. GRCh37 (hg19) VCF-style: chr6-152565758-A-G.
Other names: c.19393T>C, p.Phe6465Leu (NM_033071.5); short protein forms F6465L, F6536L.
Identifiers: ClinVar variation 429391 (VCV000429391.9), dbSNP rs138707300, ClinGen allele CA4054628.

ClinVar aggregate classification (germline): Uncertain significance. Review status: criteria provided, multiple submitters, no conflicts (2 of 4 stars). 3 submissions from 3 submitters: Uncertain significance (3). Last evaluated 2024-08-28.

Conditions:
Emery-Dreifuss muscular dystrophy 4, autosomal dominant (EDMD4). Also called: EMERY-DREIFUSS MUSCULAR DYSTROPHY 4 WITH VARIABLE FEATURES. Identifiers: Orphanet 261, MedGen C2751807, MONDO:0013071, OMIM 612998.
Autosomal recessive ataxia, Beauce type. Also called: SYNE1 Deficiency; Spinocerebellar ataxia, autosomal recessive 8; SYNE1-Related Autosomal Recessive Cerebellar Ataxia; ATAXIA, RECESSIVE, OF BEAUCE. Identifiers: Orphanet 88644, MedGen C1853116, MONDO:0012549, OMIM 610743.

Allele frequency attached by ClinVar (database versions not stated): gnomAD exomes 0.00001 and 0.00002; ExAC 0.00002; gnomAD 0.00007 and 0.00009; TOPMed 0.00013; ESP Exome Variant Server 0.00023.
gnomAD v4.1: 23 of 1,613,896 alleles (0.0014%); highest among the groups gnomAD compares: African/African-American, 0.031%; no homozygotes.

Submissions (3):

GeneDx
Classification: Uncertain significance. Last evaluated: 2024-08-28. Review status: criteria provided, single submitter. Criteria: GeneDx Variant Classification Process June 2021. Collection method: clinical testing. Allele origin: germline. Affected: yes.
Comment: In silico analysis indicates that this missense variant does not alter protein structure/function; Has not been previously published as pathogenic or benign to our knowledge

Revvity Omics, Revvity
Classification: Uncertain significance. Last evaluated: 2022-11-01. Review status: criteria provided, single submitter. Criteria: ACMG Guidelines, 2015. Collection method: clinical testing. Allele origin: germline.

Labcorp Genetics (formerly Invitae), Labcorp
Classification: Uncertain significance for Emery-Dreifuss muscular dystrophy 4, autosomal dominant; Autosomal recessive ataxia, Beauce type. Last evaluated: 2022-08-22. Review status: criteria provided, single submitter. Criteria: Invitae Variant Classification Sherloc (09022015). Collection method: clinical testing. Allele origin: germline.
Comment: In summary, the available evidence is currently insufficient to determine the role of this variant in disease. Therefore, it has been classified as a Variant of Uncertain Significance. Algorithms developed to predict the effect of missense changes on protein structure and function output the following: SIFT: "Tolerated"; PolyPhen-2: "Benign"; Align-GVGD: "Class C0". The leucine amino acid residue is found in multiple mammalian species, which suggests that this missense change does not adversely affect protein function. ClinVar contains an entry for this variant (Variation ID: 429391). This variant has not been reported in the literature in individuals affected with SYNE1-related conditions. This variant is present in population databases (rs138707300, gnomAD 0.02%). This sequence change replaces phenylalanine, which is neutral and non-polar, with leucine, which is neutral and non-polar, at codon 6465 of the SYNE1 protein (p.Phe6465Leu).